The following is an entry in ClinVar:

NM_001267550.2(TTN):c.20904G>T (p.Glu6968Asp)

Genes: TTN (titin; minus strand), LOC126806428 (BRD4-independent group 4 enhancer GRCh37_chr2:179588362-179589561; plus strand). Cytogenetic location: 2q31.2.
Variant type: single nucleotide variant.
Coding change: c.20904G>T on transcript NM_001267550.2 (MANE Select); coding-DNA position 20904, G replaced by T.
Protein change: p.Glu6968Asp; replaces glutamic acid 6968 with aspartic acid.
Molecular consequence: missense variant. On other transcripts: intron variant (3).
Genome position (GRCh38, 1-based): chr2:178,724,471, C>A on the plus strand (G>T on the coding strand, the complement: TTN is on the minus strand). VCF-style: chr2-178724471-C-A. GRCh37 (hg19) VCF-style: chr2-179589198-C-A.
Other names: c.19953G>T, p.Glu6651Asp (NM_001256850.1); c.17172G>T, p.Glu5724Asp (NM_133378.4); c.13282+13611G>T (NM_003319.4); c.13858+13611G>T (NM_133437.4); c.13657+13611G>T (NM_133432.3); short protein forms E6651D, E5724D, E6968D.
Identifiers: ClinVar variation 1030133 (VCV001030133.1), dbSNP rs2078993063, ClinGen allele CA349539701.

ClinVar aggregate classification (germline): Uncertain significance (1 of 4 stars; one submission).

Conditions:
Dilated cardiomyopathy 1G (CMD1G). Identifiers: Orphanet 154, MedGen C1858763, MONDO:0011400, OMIM 604145.

Submission:

Baylor Genetics
Classification: Uncertain significance for Dilated cardiomyopathy 1G. Last evaluated: 2020-05-05. Review status: criteria provided, single submitter. Criteria: ACMG Guidelines, 2015. Collection method: clinical testing. Allele origin: unknown. Affected: yes.
Comment: This variant was determined to be of uncertain significance according to ACMG Guidelines, 2015 [PMID:25741868].